The following is an entry in ClinVar:

NM_207361.6(FREM2):c.8860_8861delinsTT (p.Asp2954Phe)

Gene: FREM2 (FRAS1 related extracellular matrix 2; plus strand). Cytogenetic location: 13q13.3.
Variant type: Indel.
Coding change: c.8860_8861delinsTT on transcript NM_207361.6 (MANE Select); coding-DNA positions 8860 to 8861, GA replaced by TT.
Protein change: p.Asp2954Phe; replaces aspartic acid 2954 with phenylalanine.
Molecular consequence: missense variant.
Genome position (GRCh38, 1-based): chr13:38,878,831-38,878,832, GA replaced by TT. VCF-style: chr13-38878831-GA-TT. GRCh37 (hg19) VCF-style: chr13-39452968-GA-TT.
Other names: short protein forms D2954F.
Identifiers: ClinVar variation 4998214 (VCV004998214.1).

ClinVar aggregate classification (germline): Uncertain significance (1 of 4 stars; one submission).

Conditions:
FREM2-related disorder. Also called: FREM2-related condition.

Submission:

PreventionGenetics, part of Exact Sciences
Classification: Uncertain significance for FREM2-related condition. Last evaluated: 2025-02-21. Review status: criteria provided, single submitter. Criteria: ACMG Guidelines, 2015. Collection method: clinical testing. Allele origin: germline.
Comment: The FREM2 c.8860_8861delinsTT variant is predicted to result in an in-frame deletion and insertion. To our knowledge, this variant has not been reported in the literature or in a large population database (gnomAD), indicating this variant is rare. At this time, the clinical significance of this variant is uncertain due to the absence of conclusive functional and genetic evidence.